The following is an entry in ClinVar:

NM_000548.5(TSC2):c.4248C>G (p.Ala1416=)

Gene: TSC2 (TSC complex subunit 2; plus strand). Cytogenetic location: 16p13.3.
Variant type: single nucleotide variant.
Coding change: c.4248C>G on transcript NM_000548.5 (MANE Select); coding-DNA position 4248, C replaced by G.
Protein change: p.Ala1416=; no amino-acid change (alanine 1416 retained).
Molecular consequence: synonymous variant.
Genome position (GRCh38, 1-based): chr16:2,084,470, C>G. VCF-style: chr16-2084470-C-G. GRCh37 (hg19) VCF-style: chr16-2134471-C-G.
Other names: c.4047C>G, p.Ala1349= (NM_001077183.3); c.4179C>G, p.Ala1393= (NM_001114382.3); c.3939C>G, p.Ala1313= (NM_001318827.2); c.3903C>G, p.Ala1301= (NM_001318829.2); c.3516C>G, p.Ala1172= (NM_001318831.2); c.4080C>G, p.Ala1360= (NM_001318832.2); c.4050C>G, p.Ala1350= (NM_001363528.2); c.4116C>G, p.Ala1372= (NM_001370404.1); and 1 more.
Identifiers: ClinVar variation 1133753 (VCV001133753.12), dbSNP rs1393358018, ClinGen allele CA493043302.

ClinVar aggregate classification (germline): Benign/Likely benign. Review status: criteria provided, multiple submitters, no conflicts (2 of 4 stars). 3 submissions from 3 submitters: Benign (1); Likely benign (2). Last evaluated 2025-09-07.

Conditions:
Hereditary cancer-predisposing syndrome. Also called: Neoplastic Syndromes, Hereditary; Hereditary neoplastic syndrome; Tumor predisposition; Hereditary Cancer Syndrome. Identifiers: Orphanet 140162, MedGen C0027672, MeSH D009386, MONDO:0015356.
Tuberous sclerosis 2 (TSC2). Identifiers: Orphanet 805, MedGen C1860707, MONDO:0013199, OMIM 613254.

Allele frequency attached by ClinVar (database versions not stated): gnomAD exomes below 0.00001; TOPMed 0.00001.
gnomAD v4.1: 1 of 1,609,310 alleles (0.000062%); highest among the groups gnomAD compares: Non-Finnish European, 0.000085%; no homozygotes.

Submissions (3):

Labcorp Genetics (formerly Invitae), Labcorp
Classification: Likely benign for Tuberous sclerosis 2. Last evaluated: 2025-09-07. Review status: criteria provided, single submitter. Criteria: Invitae Variant Classification Sherloc (09022015). Collection method: clinical testing. Allele origin: germline.

Myriad Genetics, Inc.
Classification: Benign for Tuberous sclerosis 2. Last evaluated: 2025-06-03. Review status: criteria provided, single submitter. Criteria: Myriad Autosomal Dominant, Autosomal Recessive and X-Linked Classification Criteria (2023). Collection method: clinical testing. Allele origin: unknown.
Comment: This variant is considered benign. This variant is a silent/synonymous amino acid change and it is not expected to impact splicing.

Ambry Genetics
Classification: Likely benign for Hereditary cancer-predisposing syndrome. Last evaluated: 2022-09-16. Review status: criteria provided, single submitter. Criteria: Ambry Variant Classification Scheme 2023. Collection method: clinical testing. Allele origin: germline.